The following is an entry in ClinVar:

ClinVar aggregate classification (germline): Uncertain significance. Review status: criteria provided, multiple submitters, no conflicts (2 of 4 stars). 2 submissions from 2 submitters: Uncertain significance (2). Last evaluated 2024-12-20.

Allele frequency attached by ClinVar (database versions not stated): gnomAD exomes below 0.00001; gnomAD 0.00001; TOPMed 0.00001.
gnomAD v4.1: 5 of 1,611,654 alleles (0.00031%); highest among the groups gnomAD compares: African/African-American, 0.0053%; no homozygotes.

Submissions (2):

Ambry Genetics
Classification: Uncertain significance. Last evaluated: 2024-12-20. Review status: criteria provided, single submitter. Criteria: Ambry Variant Classification Scheme 2023. Collection method: clinical testing. Allele origin: germline.
Comment: The p.H301Y variant (also known as c.901C>T), located in coding exon 7 of the GEN1 gene, results from a C to T substitution at nucleotide position 901. The histidine at codon 301 is replaced by tyrosine, an amino acid with similar properties. This amino acid position is conserved. In addition, this alteration is predicted to be tolerated by in silico analysis. Based on the available evidence, the clinical significance of this variant remains unclear.

Labcorp Genetics (formerly Invitae), Labcorp
Classification: Uncertain significance. Last evaluated: 2023-10-28. Review status: criteria provided, single submitter. Criteria: Invitae Variant Classification Sherloc (09022015). Collection method: clinical testing. Allele origin: germline.
Comment: This sequence change replaces histidine, which is basic and polar, with tyrosine, which is neutral and polar, at codon 301 of the GEN1 protein (p.His301Tyr). The frequency data for this variant in the population databases is considered unreliable, as metrics indicate poor data quality at this position in the gnomAD database. This variant has not been reported in the literature in individuals affected with GEN1-related conditions. An algorithm developed to predict the effect of missense changes on protein structure and function (PolyPhen-2) suggests that this variant is likely to be disruptive. In summary, the available evidence is currently insufficient to determine the role of this variant in disease. Therefore, it has been classified as a Variant of Uncertain Significance.

NM_001130009.3(GEN1):c.901C>T (p.His301Tyr)

Gene: GEN1 (GEN1 structure-specific endonuclease; plus strand). Cytogenetic location: 2p24.2.
Variant type: single nucleotide variant.
Coding change: c.901C>T on transcript NM_001130009.3 (MANE Select); coding-DNA position 901, C replaced by T.
Protein change: p.His301Tyr; replaces histidine 301 with tyrosine.
Molecular consequence: missense variant.
Genome position (GRCh38, 1-based): chr2:17,772,732, C>T. VCF-style: chr2-17772732-C-T. GRCh37 (hg19) VCF-style: chr2-17953999-C-T.
Other names: c.901C>T (NM_001130009.1); c.901C>T, p.His301Tyr (NM_182625.5); short protein forms H301Y.
Identifiers: ClinVar variation 2893441 (VCV002893441.4), dbSNP rs1344566385, ClinGen allele CA345917303.